The following is an entry in ClinVar:

ClinVar aggregate classification (germline): Uncertain significance. Review status: criteria provided, multiple submitters, no conflicts (2 of 4 stars). 5 submissions from 5 submitters: Uncertain significance (5). Last evaluated 2025-12-30.

Conditions:
Inborn genetic diseases. Identifiers: MedGen C0950123, MeSH D030342.

Allele frequency attached by ClinVar (database versions not stated): gnomAD exomes 0.00004 and 0.00007; ExAC 0.00006; TOPMed 0.00006; gnomAD 0.00007.

Submissions (5):

Women's Health and Genetics/Laboratory Corporation of America, LabCorp
Classification: Uncertain significance. Last evaluated: 2025-12-30. Review status: criteria provided, single submitter. Criteria: LabCorp Variant Classification Summary - May 2015. Collection method: clinical testing. Allele origin: germline.
Comment: Variant summary: CNTNAP1 c.2918G>A (p.Arg973His) results in a non-conservative amino acid change in the encoded protein sequence. Algorithms developed to predict the effect of missense changes on protein structure and function are either unavailable or do not agree on the potential impact of this missense change. The variant allele was found at a frequency of 4.4e-05 in 251486 control chromosomes. This frequency is not significantly higher than estimated for disease-causing variants in CNTNAP1, allowing no conclusion about variant significance. To our knowledge, no occurrence of c.2918G>A in individuals affected with CNTNAP1-related conditions and no experimental evidence demonstrating its impact on protein function have been reported. ClinVar contains an entry for this variant (Variation ID: 1318454). Based on the evidence outlined above, the variant was classified as uncertain significance.

Labcorp Genetics (formerly Invitae), Labcorp
Classification: Uncertain significance. Last evaluated: 2025-01-16. Review status: criteria provided, single submitter. Criteria: Invitae Variant Classification Sherloc (09022015). Collection method: clinical testing. Allele origin: germline.
Comment: This sequence change replaces arginine, which is basic and polar, with histidine, which is basic and polar, at codon 973 of the CNTNAP1 protein (p.Arg973His). This variant is present in population databases (rs777181833, gnomAD 0.009%). This variant has not been reported in the literature in individuals affected with CNTNAP1-related conditions. ClinVar contains an entry for this variant (Variation ID: 1318454). An algorithm developed to predict the effect of missense changes on protein structure and function (PolyPhen-2) suggests that this variant is likely to be disruptive. In summary, the available evidence is currently insufficient to determine the role of this variant in disease. Therefore, it has been classified as a Variant of Uncertain Significance.

Mayo Clinic Laboratories, Mayo Clinic
Classification: Uncertain significance. Last evaluated: 2023-11-17. Review status: criteria provided, single submitter. Criteria: ACMG Guidelines, 2015. Collection method: clinical testing. Allele origin: germline. Observed: 1 variant allele.
Comment: PM2_moderate

GeneDx
Classification: Uncertain significance. Last evaluated: 2021-11-02. Review status: criteria provided, single submitter. Criteria: GeneDx Variant Classification Process June 2021. Collection method: clinical testing. Allele origin: germline. Affected: yes.
Comment: Not observed at a significant frequency in large population cohorts (Lek et al., 2016); In silico analysis supports that this missense variant has a deleterious effect on protein structure/function; Has not been previously published as pathogenic or benign to our knowledge

Ambry Genetics
Classification: Uncertain significance for Inborn genetic diseases. Last evaluated: 2021-03-30. Review status: criteria provided, single submitter. Criteria: Ambry Variant Classification Scheme 2023. Collection method: clinical testing. Allele origin: germline.
Comment: The c.2918G>A (p.R973H) alteration is located in exon 18 (coding exon 18) of the CNTNAP1 gene. This alteration results from a G to A substitution at nucleotide position 2918, causing the arginine (R) at amino acid position 973 to be replaced by a histidine (H). The p.R973H alteration is predicted to be tolerated by in silico analysis. Based on insufficient or conflicting evidence, the clinical significance of this alteration remains unclear.

NM_003632.3(CNTNAP1):c.2918G>A (p.Arg973His)

Gene: CNTNAP1 (contactin associated protein 1; plus strand). Cytogenetic location: 17q21.2.
Variant type: single nucleotide variant.
Coding change: c.2918G>A on transcript NM_003632.3 (MANE Select); coding-DNA position 2918, G replaced by A.
Protein change: p.Arg973His; replaces arginine 973 with histidine.
Molecular consequence: missense variant.
Genome position (GRCh38, 1-based): chr17:42,693,462, G>A. VCF-style: chr17-42693462-G-A. GRCh37 (hg19) VCF-style: chr17-40845480-G-A.
Other names: p.Arg973His; short protein forms R973H.
Identifiers: ClinVar variation 1318454 (VCV001318454.8), dbSNP rs777181833, ClinGen allele CA8582189.